The following is an entry in ClinVar:

ClinVar aggregate classification (germline): Likely pathogenic (1 of 4 stars; one submission).

Submission:

CeGaT Center for Human Genetics Tuebingen
Classification: Likely pathogenic. Last evaluated: 2025-10-01. Review status: criteria provided, single submitter. Criteria: CeGaT Center For Human Genetics Tuebingen Variant Classification Criteria Version 2. Collection method: clinical testing. Allele origin: germline. Affected: yes. Observed: 1 variant allele.
Comment: KMT2D: PS2, PM2, PP3

NM_003482.4(KMT2D):c.5867+5G>C

Gene: KMT2D (lysine methyltransferase 2D; minus strand). Cytogenetic location: 12q13.12.
Variant type: single nucleotide variant.
Coding change: c.5867+5G>C on transcript NM_003482.4 (MANE Select); 5 bases into the intron after coding-DNA position 5867, G replaced by C.
Molecular consequence: intron variant.
Genome position (GRCh38, 1-based): chr12:49,042,556, C>G on the plus strand (G>C on the coding strand, the complement: KMT2D is on the minus strand). VCF-style: chr12-49042556-C-G. GRCh37 (hg19) VCF-style: chr12-49436339-C-G.
Identifiers: ClinVar variation 4534967 (VCV004534967.6).